The following is an entry in ClinVar:

NM_002880.4(RAF1):c.724A>G (p.Thr242Ala)

Gene: RAF1 (Raf-1 proto-oncogene, serine/threonine kinase; minus strand). Cytogenetic location: 3p25.2.
Variant type: single nucleotide variant.
Coding change: c.724A>G on transcript NM_002880.4 (MANE Select); coding-DNA position 724, A replaced by G.
Protein change: p.Thr242Ala; replaces threonine 242 with alanine.
Molecular consequence: missense variant. On other transcripts: non-coding transcript variant (3).
Genome position (GRCh38, 1-based): chr3:12,604,246, T>C on the plus strand (A>G on the coding strand, the complement: RAF1 is on the minus strand). VCF-style: chr3-12604246-T-C. GRCh37 (hg19) VCF-style: chr3-12645745-T-C.
Other names: c.724A>G, p.Thr242Ala (NM_001354689.3, NM_001354690.3); c.481A>G, p.Thr161Ala (NM_001354691.3, NM_001354692.3, NM_001354694.3); c.625A>G, p.Thr209Ala (NM_001354693.3); c.382A>G, p.Thr128Ala (NM_001354695.3); short protein forms T128A, T161A, T209A, T242A.
Identifiers: ClinVar variation 4801595 (VCV004801595.1).

ClinVar aggregate classification (germline): Uncertain significance (1 of 4 stars; one submission).

Conditions:
RASopathy. Also called: rasopathies; Noonan spectrum disorder. Identifiers: Orphanet 536391, MedGen C5555857, MONDO:0021060.

Submission:

Labcorp Genetics (formerly Invitae), Labcorp
Classification: Uncertain significance for RASopathy. Last evaluated: 2025-05-11. Review status: criteria provided, single submitter. Criteria: Invitae Variant Classification Sherloc (09022015). Collection method: clinical testing. Allele origin: germline.
Comment: This sequence change replaces threonine, which is neutral and polar, with alanine, which is neutral and non-polar, at codon 242 of the RAF1 protein (p.Thr242Ala). This variant is not present in population databases (gnomAD no frequency). This variant has not been reported in the literature in individuals affected with RAF1-related conditions. Invitae Evidence Modeling of protein sequence and biophysical properties (such as structural, functional, and spatial information, amino acid conservation, physicochemical variation, residue mobility, and thermodynamic stability) indicates that this missense variant is not expected to disrupt RAF1 protein function with a negative predictive value of 95%. In summary, the available evidence is currently insufficient to determine the role of this variant in disease. Therefore, it has been classified as a Variant of Uncertain Significance.